The following is an entry in ClinVar:

ClinVar aggregate classification (germline): Benign/Likely benign. Review status: criteria provided, multiple submitters, no conflicts (2 of 4 stars). 5 submissions from 5 submitters: Benign (1); Likely benign (4). Last evaluated 2026-02-03.

Conditions:
Spermatogenic failure 18. Identifiers: MedGen C4539783, MONDO:0054615, OMIM 617576.
Ciliary dyskinesia, primary, 37 (CILD37). Also called: CILIARY DYSKINESIA, PRIMARY, 37, WITH OR WITHOUT SITUS INVERSUS. Identifiers: MedGen C4539798, MONDO:0033204, OMIM 617577.

Allele frequency attached by ClinVar (database versions not stated): 1000 Genomes Project 0.00080; 1000 Genomes Project 30x 0.00094; gnomAD exomes 0.00343 and 0.00543; gnomAD 0.00382 and 0.00414; ESP Exome Variant Server 0.00409; TOPMed 0.00426; ExAC 0.00490.
gnomAD v4.1: 8,489 of 1,609,148 alleles (0.53%); highest among the groups gnomAD compares: Non-Finnish European, 0.65%; 30 homozygotes.

Submissions (5):

Labcorp Genetics (formerly Invitae), Labcorp
Classification: Benign for Ciliary dyskinesia, primary, 37; Spermatogenic failure 18. Last evaluated: 2026-02-03. Review status: criteria provided, single submitter. Criteria: Invitae Variant Classification Sherloc (09022015). Collection method: clinical testing. Allele origin: germline.

CeGaT Center for Human Genetics Tuebingen
Classification: Likely benign. Last evaluated: 2025-11-01. Review status: criteria provided, single submitter. Criteria: CeGaT Center For Human Genetics Tuebingen Variant Classification Criteria Version 2. Collection method: clinical testing. Allele origin: germline. Affected: yes. Observed: 6 variant alleles.
Comment: DNAH1: BP4, BP7, BS2

Mayo Clinic Laboratories, Mayo Clinic
Classification: Likely benign. Last evaluated: 2025-02-07. Review status: criteria provided, single submitter. Criteria: ACMG Guidelines, 2015. Collection method: clinical testing. Allele origin: germline. Observed: 5 variant alleles.
Comment: BS1, BP4, BP7

Blueprint Genetics
Classification: Likely benign. Last evaluated: 2024-11-25. Review status: criteria provided, single submitter. Criteria: ACMG Guidelines, 2015. Collection method: clinical testing. Allele origin: germline.

ARUP Laboratories, Molecular Genetics and Genomics, ARUP Laboratories
Classification: Likely benign. Last evaluated: 2023-08-28. Review status: criteria provided, single submitter. Criteria: ARUP Molecular Germline Variant Investigation Process 2024. Collection method: clinical testing. Allele origin: germline.

NM_015512.5(DNAH1):c.933C>T (p.Asp311=)

Gene: DNAH1 (dynein axonemal heavy chain 1; plus strand). Cytogenetic location: 3p21.1.
Variant type: single nucleotide variant.
Coding change: c.933C>T on transcript NM_015512.5 (MANE Select); coding-DNA position 933, C replaced by T.
Protein change: p.Asp311=; no amino-acid change (aspartic acid 311 retained).
Molecular consequence: synonymous variant.
Genome position (GRCh38, 1-based): chr3:52,331,209, C>T. VCF-style: chr3-52331209-C-T. GRCh37 (hg19) VCF-style: chr3-52365225-C-T.
Other names: p.Asp311=.
Identifiers: ClinVar variation 478510 (VCV000478510.50), dbSNP rs199505182, ClinGen allele CA2432820.